The following is an entry in ClinVar:

NM_003835.4(RGS9):c.1942A>T (p.Met648Leu)

Gene: RGS9 (regulator of G protein signaling 9; plus strand). Cytogenetic location: 17q24.1.
Variant type: single nucleotide variant.
Coding change: c.1942A>T on transcript NM_003835.4 (MANE Select); coding-DNA position 1942, A replaced by T.
Protein change: p.Met648Leu; replaces methionine 648 with leucine.
Molecular consequence: missense variant.
Genome position (GRCh38, 1-based): chr17:65,227,324, A>T. VCF-style: chr17-65227324-A-T. GRCh37 (hg19) VCF-style: chr17-63223442-A-T.
Other names: c.1933A>T, p.Met645Leu (NM_001081955.3); short protein forms M648L, M645L.
Identifiers: ClinVar variation 2009743 (VCV002009743.4), dbSNP rs1172552038, ClinGen allele CA400674307.

ClinVar aggregate classification (germline): Uncertain significance (1 of 4 stars; one submission).

Allele frequency attached by ClinVar (database versions not stated): gnomAD exomes below 0.00001; TOPMed 0.00001; gnomAD 0.00002.
gnomAD v4.1: 4 of 1,614,016 alleles (0.00025%); highest among the groups gnomAD compares: African/African-American, 0.0053%; no homozygotes.

Submission:

Labcorp Genetics (formerly Invitae), Labcorp
Classification: Uncertain significance. Last evaluated: 2022-06-23. Review status: criteria provided, single submitter. Criteria: Invitae Variant Classification Sherloc (09022015). Collection method: clinical testing. Allele origin: germline.
Comment: This variant has not been reported in the literature in individuals affected with RGS9-related conditions. This variant is present in population databases (no rsID available, gnomAD 0.01%). This sequence change replaces methionine, which is neutral and non-polar, with leucine, which is neutral and non-polar, at codon 648 of the RGS9 protein (p.Met648Leu). Algorithms developed to predict the effect of missense changes on protein structure and function (SIFT, PolyPhen-2, Align-GVGD) all suggest that this variant is likely to be tolerated. In summary, the available evidence is currently insufficient to determine the role of this variant in disease. Therefore, it has been classified as a Variant of Uncertain Significance.